The following is an entry in ClinVar:

ClinVar aggregate classification (germline): Likely benign. Review status: criteria provided, single submitter (1 of 4 stars). 2 submissions from 2 submitters: Likely benign (1). 1 of the submissions does not count toward it. Last evaluated 2025-09-04.

Conditions:
KMT2B-related disorder. Also called: KMT2B-related disorders; KMT2B-related condition. Identifiers: MedGen CN381338.

Allele frequency attached by ClinVar (database versions not stated): gnomAD 0.00001; TOPMed 0.00001; ExAC 0.00002; gnomAD exomes 0.00002.
gnomAD v4.1: 30 of 1,613,822 alleles (0.0019%); highest among the groups gnomAD compares: East Asian, 0.0045%; no homozygotes.

Submissions (2):

Labcorp Genetics (formerly Invitae), Labcorp
Classification: Likely benign. Last evaluated: 2025-09-04. Review status: criteria provided, single submitter. Criteria: Invitae Variant Classification Sherloc (09022015). Collection method: clinical testing. Allele origin: germline.

PreventionGenetics, part of Exact Sciences
Classification: Likely benign for KMT2B-related condition. Last evaluated: 2023-12-21. Review status: no assertion criteria provided. Collection method: clinical testing. Allele origin: germline. Not counted in ClinVar's aggregate classification.
Comment: This variant is classified as likely benign based on ACMG/AMP sequence variant interpretation guidelines (Richards et al. 2015 PMID: 25741868, with internal and published modifications).

NM_014727.3(KMT2B):c.5276+7G>A

Gene: KMT2B (lysine methyltransferase 2B; plus strand). Cytogenetic location: 19q13.12.
Variant type: single nucleotide variant.
Coding change: c.5276+7G>A on transcript NM_014727.3 (MANE Select); 7 bases into the intron after coding-DNA position 5276, G replaced by A.
Molecular consequence: intron variant.
Genome position (GRCh38, 1-based): chr19:35,730,623, G>A. VCF-style: chr19-35730623-G-A. GRCh37 (hg19) VCF-style: chr19-36221524-G-A.
Other names: c.5276+7G>A (NM_014727.2).
Identifiers: ClinVar variation 1896659 (VCV001896659.7), dbSNP rs764651237, ClinGen allele CA9385352.